The following is an entry in ClinVar:

ClinVar aggregate classification (germline): Pathogenic (1 of 4 stars; one submission).

Submission:

Labcorp Genetics (formerly Invitae), Labcorp
Classification: Pathogenic. Last evaluated: 2022-06-14. Review status: criteria provided, single submitter. Criteria: Invitae Variant Classification Sherloc (09022015). Collection method: clinical testing. Allele origin: germline.
Comment: For these reasons, this variant has been classified as Pathogenic. A similar copy number variant has been observed in individual(s) with autosomal dominant familial exudative vitreoretinopathy (PMID: 29074561). This variant is a gross deletion of the genomic region encompassing exon(s) 1 of the LRP5 gene, which includes the initiator codon. This deletion extends beyond the assayed region for this gene and therefore may encompass additional genes. It is expected to result in an absent or disrupted protein product. Loss-of-function variants in LRP5 are known to be pathogenic (PMID: 11719191, 16252235, 25711638).

Literature cited by the submitters: PubMed 29074561; PubMed 11719191; PubMed 16252235; PubMed 25711638.

NC_000011.9:g.(?_68080183)_(68080293_?)del

Gene: LRP5 (LDL receptor related protein 5; plus strand). Cytogenetic location: 11q13.2.
Variant type: Deletion.
Identifiers: ClinVar variation 2424406 (VCV002424406.4).